The following is an entry in ClinVar:

ClinVar aggregate classification (germline): Pathogenic (1 of 4 stars; one submission).

Conditions:
Pseudo-Hurler polydystrophy. Also called: MUCOLIPIDOSIS IIIA; ML III; ML III ALPHA/BETA; Type III Mucolipidosis; ML IIIA; Mucolipidosis III Alpha/Beta. Identifiers: Orphanet 423461, Orphanet 577, MedGen C0033788, MONDO:0018931, OMIM 252600.
Mucolipidosis type II. Also called: Mucolipidosis II Alpha/Beta; ML II ALPHA/BETA; Mucolipidosis 2; ML 2; Inclusion cell disease; Leroy Disease. Identifiers: Orphanet 576, MedGen C2673377, MONDO:0009650, OMIM 252500.

Submission:

Labcorp Genetics (formerly Invitae), Labcorp
Classification: Pathogenic for Pseudo-Hurler polydystrophy; Mucolipidosis type II. Last evaluated: 2022-01-13. Review status: criteria provided, single submitter. Criteria: Invitae Variant Classification Sherloc (09022015). Collection method: clinical testing. Allele origin: germline.
Comment: This sequence change affects the initiator methionine of the GNPTAB mRNA. The next in-frame methionine is located at codon 73. This variant is not present in population databases (gnomAD no frequency). For these reasons, this variant has been classified as Pathogenic. This variant disrupts a region of the GNPTAB protein in which other variant(s) (p.Lys4Gln) have been determined to be pathogenic (PMID: 16465621, 23192343, 24045841, 24550498). This suggests that this is a clinically significant region of the protein, and that variants that disrupt it are likely to be disease-causing. Disruption of the initiator codon has been observed in individual(s) with clinical features of mucolipidosis (PMID: 30882951).

Literature cited by the submitters: PubMed 16465621; PubMed 23192343; PubMed 24045841; PubMed 24550498; PubMed 30882951.

NM_024312.5(GNPTAB):c.2T>C (p.Met1Thr)

Gene: GNPTAB (N-acetylglucosamine-1-phosphate transferase subunits alpha and beta; minus strand). Cytogenetic location: 12q23.2.
Variant type: single nucleotide variant.
Coding change: c.2T>C on transcript NM_024312.5 (MANE Select); coding-DNA position 2, T replaced by C.
Protein change: p.Met1Thr; changes the start codon (methionine 1).
Molecular consequence: missense variant, initiator codon variant.
Genome position (GRCh38, 1-based): chr12:101,830,674, A>G on the plus strand (T>C on the coding strand, the complement: GNPTAB is on the minus strand). VCF-style: chr12-101830674-A-G. GRCh37 (hg19) VCF-style: chr12-102224452-A-G.
Other names: short protein forms M1T.
Identifiers: ClinVar variation 2065810 (VCV002065810.5), dbSNP rs2547989679, ClinGen allele CA386487109.
Genomic context (GRCh38, chr12:101,830,674, plus strand): 5'-TAGAGCCCATACCTGTGGGACAGGCAGGTATAGGTCTGTCTCTGCAGGAGCTTGAACAGC[A>G]TCACCCCTTCACCGCCACGCCACGCCCCGAGGAGCCTGAGCCGCCGCCGCCGCCGCCGCC-3'
Protein context (NP_077288.2, residues 1-11): [Met1Thr]LFKLLQRQTY